The following is an entry in ClinVar:

NM_015340.4(LARS2):c.693A>G (p.Ala231=)

Gene: LARS2 (leucyl-tRNA synthetase 2, mitochondrial; plus strand). Cytogenetic location: 3p21.31.
Variant type: single nucleotide variant.
Coding change: c.693A>G on transcript NM_015340.4 (MANE Select); coding-DNA position 693, A replaced by G.
Protein change: p.Ala231=; no amino-acid change (alanine 231 retained).
Molecular consequence: synonymous variant.
Genome position (GRCh38, 1-based): chr3:45,458,829, A>G. VCF-style: chr3-45458829-A-G. GRCh37 (hg19) VCF-style: chr3-45500321-A-G.
Other names: c.693A>G, p.Ala231= (NM_001368263.1).
Identifiers: ClinVar variation 382645 (VCV000382645.4), dbSNP rs779700014, ClinGen allele CA16604942.

ClinVar aggregate classification (germline): Likely benign. Review status: criteria provided, multiple submitters, no conflicts (2 of 4 stars). 2 submissions from 2 submitters: Likely benign (2). Last evaluated 2025-08-14.

Allele frequency attached by ClinVar (database versions not stated): TOPMed 0.00004.
gnomAD v4.1: 13 of 1,614,052 alleles (0.00081%); highest among the groups gnomAD compares: African/African-American, 0.0067%; no homozygotes.

Submissions (2):

Labcorp Genetics (formerly Invitae), Labcorp
Classification: Likely benign. Last evaluated: 2025-08-14. Review status: criteria provided, single submitter. Criteria: Invitae Variant Classification Sherloc (09022015). Collection method: clinical testing. Allele origin: germline.

GeneDx
Classification: Likely benign. Last evaluated: 2016-02-15. Review status: criteria provided, single submitter. Criteria: GeneDx Variant Classification (06012015). Collection method: clinical testing. Allele origin: germline. Affected: yes.
Comment: This variant is considered likely benign or benign based on one or more of the following criteria: it is a conservative change, it occurs at a poorly conserved position in the protein, it is predicted to be benign by multiple in silico algorithms, and/or has population frequency not consistent with disease.